The following is an entry in ClinVar:

NM_001846.4(COL4A2):c.1832C>T (p.Thr611Met)

Gene: COL4A2 (collagen type IV alpha 2 chain; plus strand). Cytogenetic location: 13q34.
Variant type: single nucleotide variant.
Coding change: c.1832C>T on transcript NM_001846.4 (MANE Select); coding-DNA position 1832, C replaced by T.
Protein change: p.Thr611Met; replaces threonine 611 with methionine.
Molecular consequence: missense variant.
Genome position (GRCh38, 1-based): chr13:110,465,460, C>T. VCF-style: chr13-110465460-C-T. GRCh37 (hg19) VCF-style: chr13-111117807-C-T.
Other names: c.1832C>T (NM_001846.3); short protein forms T611M.
Identifiers: ClinVar variation 4920558 (VCV004920558.2).

ClinVar aggregate classification (germline): Conflicting classifications of pathogenicity. Review status: criteria provided, conflicting classifications (1 of 4 stars). 2 submissions from 2 submitters: Uncertain significance (1); Likely benign (1). Last evaluated 2025-02-12.

Conditions:
COL4A2-related disorder. Also called: COL4A2-related disorders; COL4A2-related condition.

gnomAD v4.1: 78 of 1,613,796 alleles (0.0048%); highest among the groups gnomAD compares: Middle Eastern, 0.017%; no homozygotes.

Submissions (2):

PreventionGenetics, part of Exact Sciences
Classification: Uncertain significance for COL4A2-related condition. Last evaluated: 2025-02-12. Review status: criteria provided, single submitter. Criteria: ACMG Guidelines, 2015. Collection method: clinical testing. Allele origin: germline.
Comment: The COL4A2 c.1832C>T variant is predicted to result in the amino acid substitution p.Thr611Met. To our knowledge, this variant has not been reported in the literature. This variant is reported in 0.0090% of alleles in individuals of European (Non-Finnish) descent in gnomAD. At this time, the clinical significance of this variant is uncertain due to the absence of conclusive functional and genetic evidence.

Blueprint Genetics
Classification: Likely benign. Last evaluated: 2020-09-25. Review status: criteria provided, single submitter. Criteria: ACMG Guidelines, 2015. Collection method: clinical testing. Allele origin: germline.